The following is an entry in ClinVar:

NM_014946.4(SPAST):c.679T>G (p.Ser227Ala)

Gene: SPAST (spastin; plus strand). Cytogenetic location: 2p22.3.
Variant type: single nucleotide variant.
Coding change: c.679T>G on transcript NM_014946.4 (MANE Select); coding-DNA position 679, T replaced by G.
Protein change: p.Ser227Ala; replaces serine 227 with alanine.
Molecular consequence: missense variant. On other transcripts: intron variant (3).
Genome position (GRCh38, 1-based): chr2:32,098,888, T>G. VCF-style: chr2-32098888-T-G. GRCh37 (hg19) VCF-style: chr2-32323957-T-G.
Other names: c.676T>G, p.Ser226Ala (NM_001363823.2); c.586+9283T>G (NM_199436.2, NM_001377959.1); c.583+9283T>G (NM_001363875.2); short protein forms S227A, S226A.
Identifiers: ClinVar variation 898891 (VCV000898891.11), dbSNP rs762126088, ClinGen allele CA1600673.

ClinVar aggregate classification (germline): Uncertain significance. Review status: criteria provided, multiple submitters, no conflicts (2 of 4 stars). 4 submissions from 4 submitters: Uncertain significance (4). Last evaluated 2025-04-12.

Conditions:
Hereditary spastic paraplegia 4. Also called: Spastic Paraplegia 4; Spastic paraplegia 4, autosomal dominant; Familial spastic paraplegia autosomal dominant 2. Identifiers: Orphanet 100985, MedGen C1866855, MONDO:0008438, OMIM 182601.
Inborn genetic diseases. Identifiers: MedGen C0950123, MeSH D030342.

Allele frequency attached by ClinVar (database versions not stated): TOPMed below 0.00001; ExAC 0.00001; gnomAD exomes 0.00001 and 0.00002.
gnomAD v4.1: 23 of 1,607,932 alleles (0.0014%); highest among the groups gnomAD compares: Non-Finnish European, 0.002%; no homozygotes.

Submissions (4):

Ambry Genetics
Classification: Uncertain significance for Inborn genetic diseases. Last evaluated: 2025-04-12. Review status: criteria provided, single submitter. Criteria: Ambry Variant Classification Scheme 2023. Collection method: clinical testing. Allele origin: germline.

Labcorp Genetics (formerly Invitae), Labcorp
Classification: Uncertain significance for Hereditary spastic paraplegia 4. Last evaluated: 2021-10-06. Review status: criteria provided, single submitter. Criteria: Invitae Variant Classification Sherloc (09022015). Collection method: clinical testing. Allele origin: germline.
Comment: This variant is present in population databases (rs762126088, ExAC 0.002%). In summary, the available evidence is currently insufficient to determine the role of this variant in disease. Therefore, it has been classified as a Variant of Uncertain Significance. Advanced modeling of protein sequence and biophysical properties (such as structural, functional, and spatial information, amino acid conservation, physicochemical variation, residue mobility, and thermodynamic stability) performed at Invitae indicates that this missense variant is not expected to disrupt SPAST protein function. ClinVar contains an entry for this variant (Variation ID: 898891). This variant has not been reported in the literature in individuals affected with SPAST-related conditions. This sequence change replaces serine with alanine at codon 227 of the SPAST protein (p.Ser227Ala). The serine residue is weakly conserved and there is a moderate physicochemical difference between serine and alanine.

GeneDx
Classification: Uncertain significance. Last evaluated: 2019-11-15. Review status: criteria provided, single submitter. Criteria: GeneDx Variant Classification Process June 2021. Collection method: clinical testing. Allele origin: germline. Affected: yes.
Comment: Not observed at a significant frequency in large population cohorts (Lek et al., 2016); In silico analysis, which includes protein predictors and evolutionary conservation, supports that this variant does not alter protein structure/function; Has not been previously published as pathogenic or benign to our knowledge

Illumina Laboratory Services, Illumina
Classification: Uncertain significance for Hereditary spastic paraplegia 4. Last evaluated: 2018-01-13. Review status: criteria provided, single submitter. Criteria: ICSL Variant Classification Criteria 13 December 2019. Collection method: clinical testing. Allele origin: germline.